The following is an entry in ClinVar:

NM_000268.4(NF2):c.243A>G (p.Val81=)

Gene: NF2 (NF2, moesin-ezrin-radixin like (MERLIN) tumor suppressor; plus strand). Cytogenetic location: 22q12.2.
Variant type: single nucleotide variant.
Coding change: c.243A>G on transcript NM_000268.4 (MANE Select); coding-DNA position 243, A replaced by G.
Protein change: p.Val81=; no amino-acid change (valine 81 retained).
Molecular consequence: synonymous variant. On other transcripts: 5 prime UTR variant (1), intron variant (8).
Genome position (GRCh38, 1-based): chr22:29,639,092, A>G. VCF-style: chr22-29639092-A-G. GRCh37 (hg19) VCF-style: chr22-30035081-A-G.
Other names: c.129A>G, p.Val43= (NM_001407053.1, NM_001407056.1); c.117A>G, p.Val39= (NM_001407055.1, NM_181828.3); c.243A>G, p.Val81= (NM_001407057.1, NM_001407059.1, NM_001407060.1 and 5 more transcripts); c.-398A>G (NM_001407065.1); c.12A>G, p.Val4= (NM_001407067.1); c.240+2216A>G (NM_001407058.1, NM_181829.3, NM_001407054.1 and 1 more transcripts); c.115-3110A>G (NM_001407063.1, NM_181830.3, NM_001407064.1 and 1 more transcripts).
Identifiers: ClinVar variation 3071172 (VCV003071172.1), dbSNP rs2146869518, ClinGen allele CA514191512.

ClinVar aggregate classification (germline): Likely benign (1 of 4 stars; one submission).

Conditions:
Neurofibromatosis, type 2 (SWNV). Also called: BILATERAL ACOUSTIC NEUROFIBROMATOSIS; NF2-Related Schwannomatosis; SCHWANNOMATOSIS, VESTIBULAR. Identifiers: Orphanet 637, MedGen C0027832, MONDO:0007039, OMIM 101000. Disease mechanism: loss of function.

Submission:

All of Us Research Program, National Institutes of Health
Classification: Likely benign for Neurofibromatosis, type 2. Last evaluated: 2023-05-16. Review status: criteria provided, single submitter. Criteria: ACMG Guidelines, 2015. Collection method: clinical testing. Allele origin: germline. Inheritance: Autosomal dominant inheritance. Observed: 2 variant alleles, 2 heterozygotes.
Comment: This study involves interpretation of variants in research participants for the purpose of population health screening. Participant phenotype was not available at the time of variant classification. Additional details can be found in publication PMID: 35346344, PMCID: PMC8962531